The following is an entry in ClinVar:

ClinVar aggregate classification (germline): Uncertain significance. Review status: criteria provided, multiple submitters, no conflicts (2 of 4 stars). 3 submissions from 3 submitters: Uncertain significance (3). Last evaluated 2025-03-04.

Allele frequency attached by ClinVar (database versions not stated): gnomAD exomes 0.00001; ExAC 0.00002.
gnomAD v4.1: 7 of 1,593,402 alleles (0.00044%); highest among the groups gnomAD compares: South Asian, 0.0055%; no homozygotes.

Submissions (3):

Center for Genomic Medicine, Rigshospitalet, Copenhagen University Hospital
Classification: Uncertain significance. Last evaluated: 2025-03-04. Review status: criteria provided, single submitter. Criteria: ACMG Guidelines, 2015. Collection method: clinical testing. Allele origin: germline.

Ambry Genetics
Classification: Uncertain significance. Last evaluated: 2025-02-09. Review status: criteria provided, single submitter. Criteria: Ambry Variant Classification Scheme 2023. Collection method: clinical testing. Allele origin: germline.
Comment: The p.A119G variant (also known as c.356C>G), located in coding exon 4 of the RPS20 gene, results from a C to G substitution at nucleotide position 356. The alanine at codon 119 is replaced by glycine, an amino acid with similar properties. This amino acid position is conserved. In addition, the in silico prediction for this alteration is inconclusive. Since supporting evidence is limited at this time, the clinical significance of this alteration remains unclear.

Labcorp Genetics (formerly Invitae), Labcorp
Classification: Uncertain significance. Last evaluated: 2023-06-25. Review status: criteria provided, single submitter. Criteria: Invitae Variant Classification Sherloc (09022015). Collection method: clinical testing. Allele origin: germline.
Comment: This variant has not been reported in the literature in individuals affected with RPS20-related conditions. In summary, the available evidence is currently insufficient to determine the role of this variant in disease. Therefore, it has been classified as a Variant of Uncertain Significance. An algorithm developed to predict the effect of missense changes on protein structure and function (PolyPhen-2) suggests that this variant is likely to be tolerated. ClinVar contains an entry for this variant (Variation ID: 1802763). This variant is present in population databases (rs762595301, gnomAD 0.01%). This sequence change replaces alanine, which is neutral and non-polar, with glycine, which is neutral and non-polar, at codon 119 of the RPS20 protein (p.Ala119Gly).

NM_001023.4(RPS20):c.356C>G (p.Ala119Gly)

Gene: RPS20 (ribosomal protein S20; minus strand). Cytogenetic location: 8q12.1.
Variant type: single nucleotide variant.
Coding change: c.356C>G on transcript NM_001023.4 (MANE Select); coding-DNA position 356, C replaced by G.
Protein change: p.Ala119Gly; replaces alanine 119 with glycine.
Molecular consequence: missense variant. On other transcripts: intron variant (1).
Genome position (GRCh38, 1-based): chr8:56,073,094, G>C on the plus strand (C>G on the coding strand, the complement: RPS20 is on the minus strand). VCF-style: chr8-56073094-G-C. GRCh37 (hg19) VCF-style: chr8-56985653-G-C.
Other names: c.333+23C>G (NM_001146227.3); c.356C>G (NM_001023.3); short protein forms A119G.
Identifiers: ClinVar variation 1802763 (VCV001802763.13), dbSNP rs762595301, ClinGen allele CA4754310.